The following is an entry in ClinVar:

ClinVar aggregate classification (germline): Uncertain significance (1 of 4 stars; one submission).

Conditions:
TP63-Related Spectrum Disorders.

Submission:

Labcorp Genetics (formerly Invitae), Labcorp
Classification: Uncertain significance. Last evaluated: 2024-10-08. Review status: criteria provided, single submitter. Criteria: Invitae Variant Classification Sherloc (09022015). Collection method: clinical testing. Allele origin: germline.
Comment: This sequence change replaces asparagine, which is neutral and polar, with serine, which is neutral and polar, at codon 517 of the TP63 protein (p.Asn517Ser). This variant is not present in population databases (gnomAD no frequency). This variant has not been reported in the literature in individuals affected with TP63-related conditions. ClinVar contains an entry for this variant (Variation ID: 1358479). Invitae Evidence Modeling of protein sequence and biophysical properties (such as structural, functional, and spatial information, amino acid conservation, physicochemical variation, residue mobility, and thermodynamic stability) indicates that this missense variant is not expected to disrupt TP63 protein function with a negative predictive value of 80%. In summary, the available evidence is currently insufficient to determine the role of this variant in disease. Therefore, it has been classified as a Variant of Uncertain Significance.

NM_003722.5(TP63):c.1550A>G (p.Asn517Ser)

Gene: TP63 (tumor protein p63; plus strand). Cytogenetic location: 3q28.
Variant type: single nucleotide variant.
Coding change: c.1550A>G on transcript NM_003722.5 (MANE Select); coding-DNA position 1550, A replaced by G.
Protein change: p.Asn517Ser; replaces asparagine 517 with serine.
Molecular consequence: missense variant. On other transcripts: intron variant (4).
Genome position (GRCh38, 1-based): chr3:189,889,382, A>G. VCF-style: chr3-189889382-A-G. GRCh37 (hg19) VCF-style: chr3-189607171-A-G.
Other names: c.1550A>G, p.Asn517Ser (NM_001114978.2); c.1268A>G, p.Asn423Ser (NM_001114980.2, NM_001114981.2); c.1013A>G, p.Asn338Ser (NM_001329146.2); c.1538A>G, p.Asn513Ser (NM_001329148.2); c.1544A>G, p.Asn515Ser (NM_001329964.2); c.1507+2831A>G (NM_001329144.2); c.1225+2831A>G (NM_001329145.2); c.1213+2831A>G (NM_001329149.2); and 1 more; short protein forms N513S, N517S, N423S, N338S, N515S.
Identifiers: ClinVar variation 1358479 (VCV001358479.7), dbSNP rs2108861443, ClinGen allele CA355758251.